The following is an entry in ClinVar:

ClinVar aggregate classification (germline): Likely pathogenic (1 of 4 stars; one submission).

Conditions:
COL1A2-related disorder. Also called: COL1A2-Related Disorders; COL1A2-related condition.

Submission:

PreventionGenetics, part of Exact Sciences
Classification: Likely pathogenic for COL1A2-related condition. Last evaluated: 2022-09-23. Review status: criteria provided, single submitter. Criteria: ACMG Guidelines, 2015. Collection method: clinical testing. Allele origin: germline.
Comment: The COL1A2 c.2079+1G>A variant is predicted to disrupt the GT donor site and interfere with normal splicing. To our knowledge, this variant has not been reported in the literature or in a large population database, indicating this variant is rare. Variants that disrupt the consensus splice donor site in COL1A2 are expected to be pathogenic. This variant is interpreted as likely pathogenic.

NM_000089.4(COL1A2):c.2079+1G>A

Gene: COL1A2 (collagen type I alpha 2 chain; plus strand). Cytogenetic location: 7q21.3.
Variant type: single nucleotide variant.
Coding change: c.2079+1G>A on transcript NM_000089.4 (MANE Select); the canonical splice donor site of the intron after coding-DNA position 2079, G replaced by A.
Molecular consequence: splice donor variant.
Genome position (GRCh38, 1-based): chr7:94,419,552, G>A. VCF-style: chr7-94419552-G-A. GRCh37 (hg19) VCF-style: chr7-94048864-G-A.
Identifiers: ClinVar variation 2637094 (VCV002637094.1), dbSNP rs2484724068, ClinGen allele CA368223197.
Genomic context (GRCh38, chr7:94,419,552, plus strand): 5'-TACTAGGGTGCTCCTGGTGCTGTAGGTGCCCCTGGTCCTGCTGGAGCCACAGGTGACCGG[G>A]TAAGCATGCATTTTCACTAAGCCAACAGCAATATCTAAAATTTCCCGCCTTCCCTAGTCC-3'